The following is an entry in ClinVar:

NM_032444.4(SLX4):c.2100G>A (p.Gly700=)

Gene: SLX4 (SLX4 structure-specific endonuclease subunit; minus strand). Cytogenetic location: 16p13.3.
Variant type: single nucleotide variant.
Coding change: c.2100G>A on transcript NM_032444.4 (MANE Select); coding-DNA position 2100, G replaced by A.
Protein change: p.Gly700=; no amino-acid change (glycine 700 retained).
Molecular consequence: synonymous variant.
Genome position (GRCh38, 1-based): chr16:3,594,513, C>T on the plus strand (G>A on the coding strand, the complement: SLX4 is on the minus strand). VCF-style: chr16-3594513-C-T. GRCh37 (hg19) VCF-style: chr16-3644514-C-T.
Other names: c.2100G>A (NM_032444.3).
Identifiers: ClinVar variation 1594075 (VCV001594075.33), dbSNP rs755000337, ClinGen allele CA7866292.
Genomic context (GRCh38, chr16:3,594,513, plus strand): 5'-ATACTGGATGAGGAGCGGGCATCGGGCATAAAGCACGAACTTGTGGGCGTAAAGCACCTC[C>T]CCGCTGTCCGTCTGAAACTGGACATCACTCAGGTGTGGGTTATTGACCATGGCGCCAAAG-3'
Protein context (NP_115820.2, residues 690-710): LSDVQFQTDS[Gly700=]EVLYAHKFVL

ClinVar aggregate classification (germline): Likely benign. Review status: criteria provided, multiple submitters, no conflicts (2 of 4 stars). 3 submissions from 3 submitters: Likely benign (2). 1 of the submissions does not count toward it. Last evaluated 2026-01-24.

Conditions:
SLX4-related disorder. Also called: SLX4-related condition.
Fanconi anemia (FA). Also called: Fanconi's anemia. Identifiers: Orphanet 84, MedGen C0015625, MeSH D005199, MONDO:0019391.

Allele frequency attached by ClinVar (database versions not stated): ExAC 0.00002; gnomAD exomes 0.00004 and 0.00011; gnomAD 0.00005; TOPMed 0.00005.
gnomAD v4.1: 163 of 1,614,034 alleles (0.01%); highest among the groups gnomAD compares: Non-Finnish European, 0.014%; no homozygotes.

Submissions (3):

Labcorp Genetics (formerly Invitae), Labcorp
Classification: Likely benign for Fanconi anemia. Last evaluated: 2026-01-24. Review status: criteria provided, single submitter. Criteria: Invitae Variant Classification Sherloc (09022015). Collection method: clinical testing. Allele origin: germline.

CeGaT Center for Human Genetics Tuebingen
Classification: Likely benign. Last evaluated: 2024-08-01. Review status: criteria provided, single submitter. Criteria: CeGaT Center For Human Genetics Tuebingen Variant Classification Criteria Version 2. Collection method: clinical testing. Allele origin: germline. Affected: yes. Observed: 2 variant alleles.
Comment: SLX4: BP4, BP7

PreventionGenetics, part of Exact Sciences
Classification: Likely benign for SLX4-related condition. Last evaluated: 2021-04-27. Review status: no assertion criteria provided. Collection method: clinical testing. Allele origin: germline. Not counted in ClinVar's aggregate classification.
Comment: This variant is classified as likely benign based on ACMG/AMP sequence variant interpretation guidelines (Richards et al. 2015 PMID: 25741868, with internal and published modifications).